The following is an entry in ClinVar:

NM_198525.3(KIF7):c.946G>T (p.Gly316Trp)

Gene: KIF7 (kinesin family member 7; minus strand). Cytogenetic location: 15q26.1.
Variant type: single nucleotide variant.
Coding change: c.946G>T on transcript NM_198525.3 (MANE Select); coding-DNA position 946, G replaced by T.
Protein change: p.Gly316Trp; replaces glycine 316 with tryptophan.
Molecular consequence: missense variant.
Genome position (GRCh38, 1-based): chr15:89,648,752, C>A on the plus strand (G>T on the coding strand, the complement: KIF7 is on the minus strand). VCF-style: chr15-89648752-C-A. GRCh37 (hg19) VCF-style: chr15-90191983-C-A.
Other names: short protein forms G316W.
Identifiers: ClinVar variation 1368336 (VCV001368336.8), dbSNP rs1383459229, ClinGen allele CA393773486.

ClinVar aggregate classification (germline): Uncertain significance (1 of 4 stars; one submission).

Conditions:
Acrocallosal syndrome (ACLS). Also called: HALLUX DUPLICATION, POSTAXIAL POLYDACTYLY, AND ABSENCE OF CORPUS CALLOSUM; Schinzel syndrome 1; Absence of corpus callosum with unusual facial appearance, mental deficiency, duplication of the halluces and polydactyly. Identifiers: Orphanet 36, MedGen C0796147, MONDO:0008708, OMIM 200990.

gnomAD v4.1: 1 of 1,535,516 alleles (0.000065%); highest among the groups gnomAD compares: Non-Finnish European, 0.000087%; no homozygotes.

Submission:

Labcorp Genetics (formerly Invitae), Labcorp
Classification: Uncertain significance for Acrocallosal syndrome. Last evaluated: 2022-07-06. Review status: criteria provided, single submitter. Criteria: Invitae Variant Classification Sherloc (09022015). Collection method: clinical testing. Allele origin: germline.
Comment: This variant is not present in population databases (gnomAD no frequency). In summary, the available evidence is currently insufficient to determine the role of this variant in disease. Therefore, it has been classified as a Variant of Uncertain Significance. Algorithms developed to predict the effect of missense changes on protein structure and function are either unavailable or do not agree on the potential impact of this missense change (SIFT: "Deleterious"; PolyPhen-2: "Probably Damaging"; Align-GVGD: "Class C0"). ClinVar contains an entry for this variant (Variation ID: 1368336). This variant has not been reported in the literature in individuals affected with KIF7-related conditions. This sequence change replaces glycine, which is neutral and non-polar, with tryptophan, which is neutral and slightly polar, at codon 316 of the KIF7 protein (p.Gly316Trp).